The following is an entry in ClinVar:

NM_020843.4(SCAPER):c.42A>G (p.Val14=)

Gene: SCAPER (S-phase cyclin A associated protein in the ER; minus strand). Cytogenetic location: 15q24.3.
Variant type: single nucleotide variant.
Coding change: c.42A>G on transcript NM_020843.4 (MANE Select); coding-DNA position 42, A replaced by G.
Protein change: p.Val14=; no amino-acid change (valine 14 retained).
Molecular consequence: synonymous variant. On other transcripts: 5 prime UTR variant (3), non-coding transcript variant (1).
Genome position (GRCh38, 1-based): chr15:76,862,498, T>C on the plus strand (A>G on the coding strand, the complement: SCAPER is on the minus strand). VCF-style: chr15-76862498-T-C. GRCh37 (hg19) VCF-style: chr15-77154839-T-C.
Other names: c.42A>G, p.Val14= (NM_001353009.2); c.-416A>G (NM_001353010.2); c.-479A>G (NM_001353011.2); c.-361A>G (NM_001353012.2).
Identifiers: ClinVar variation 1676478 (VCV001676478.3), dbSNP rs982643337, ClinGen allele CA273719831.

ClinVar aggregate classification (germline): Uncertain significance (1 of 4 stars; one submission).

gnomAD v4.1: 2 of 1,613,136 alleles (0.00012%); highest among the groups gnomAD compares: African/African-American, 0.0027%; no homozygotes.

Submission:

Greenwood Genetic Center Diagnostic Laboratories, Greenwood Genetic Center
Classification: Uncertain significance. Last evaluated: 2022-03-10. Review status: criteria provided, single submitter. Criteria: ACMG Guidelines, 2015. Collection method: clinical testing. Allele origin: germline. Affected: yes.
Comment: PM2